The following is an entry in ClinVar:

ClinVar aggregate classification (germline): Conflicting classifications of pathogenicity. Review status: criteria provided, conflicting classifications (1 of 4 stars). 2 submissions from 2 submitters: Likely pathogenic (1); Uncertain significance (1). Last evaluated 2020-04-30.

Conditions:
Rare genetic deafness. Identifiers: Orphanet 96210, MedGen C5680250.

Submissions (2):

Blueprint Genetics
Classification: Uncertain significance. Last evaluated: 2020-04-30. Review status: criteria provided, single submitter. Criteria: ACMG Guidelines, 2015. Collection method: clinical testing. Allele origin: germline.

Laboratory for Molecular Medicine, Mass General Brigham Personalized Medicine
Classification: Likely pathogenic for Rare genetic deafness. Last evaluated: 2019-06-20. Review status: criteria provided, single submitter. Criteria: LMM Criteria. Collection method: clinical testing. Allele origin: germline. Inheritance: Autosomal dominant inheritance. Observed: 1 variant allele.
Comment: This variant was absent from large population studies. Computational prediction tools and conservation analysis suggest an impact to the protein. In summary, although additional studies are required to fully establish its clinical significance, this variant meets criteria to be classified as likely pathogenic for autosomal dominant nonsyndromic hearing loss. ACMG/AMP Criteria applied: PS2, PM2, PP3.

NM_005422.4(TECTA):c.5662A>G (p.Arg1888Gly)

Genes: TBCEL-TECTA (TBCEL-TECTA readthrough; plus strand), TECTA (tectorin alpha; plus strand). Cytogenetic location: 11q23.3.
Variant type: single nucleotide variant.
Coding change: c.5662A>G on transcript NM_005422.4 (MANE Select); coding-DNA position 5662, A replaced by G.
Protein change: p.Arg1888Gly; replaces arginine 1888 with glycine.
Molecular consequence: missense variant.
Genome position (GRCh38, 1-based): chr11:121,168,129, A>G. VCF-style: chr11-121168129-A-G. GRCh37 (hg19) VCF-style: chr11-121038838-A-G.
Other names: c.6604A>G, p.Arg2202Gly (NM_001378761.1); short protein forms R1888G, R2202G.
Identifiers: ClinVar variation 667334 (VCV000667334.6), dbSNP rs1591464171, ClinGen allele CA383035453.